The following is an entry in ClinVar:

ClinVar aggregate classification (germline): Benign (1 of 4 stars; one submission).

Allele frequency attached by ClinVar (database versions not stated): 1000 Genomes Project 0.67192; 1000 Genomes Project 30x 0.68051; ExAC 0.69255; gnomAD exomes 0.70829; gnomAD 0.72055; TOPMed 0.73095; ESP Exome Variant Server 0.74927.
gnomAD v4.1: 985,906 of 1,388,616 alleles (71%); highest among the groups gnomAD compares: Middle Eastern, 85%; 354,959 homozygotes.

Submission:

Unidad de Genómica Garrahan, Hospital de Pediatría Garrahan
Classification: Benign. Last evaluated: 2023-11-12. Review status: criteria provided, single submitter. Criteria: ACMG Guidelines, 2015. Collection method: clinical testing. Allele origin: germline. Affected: no. Observed: 80 variant alleles.
Comment: This variant is classified as Benign based on local population frequency. This variant was detected in 83% of patients studied by a panel of primary immunodeficiencies. Number of patients: 80. Only high quality variants are reported.

NM_002788.4(PSMA3):c.723+50A>T

Genes: PSMA3 (proteasome 20S subunit alpha 3; plus strand), PSMA3-AS1 (PSMA3 antisense RNA 1; minus strand). Cytogenetic location: 14q23.1.
Variant type: single nucleotide variant.
Coding change: c.723+50A>T on transcript NM_002788.4 (MANE Select); 50 bases into the intron after coding-DNA position 723, A replaced by T.
Molecular consequence: intron variant.
Genome position (GRCh38, 1-based): chr14:58,271,048, A>T. VCF-style: chr14-58271048-A-T. GRCh37 (hg19) VCF-style: chr14-58737766-A-T.
Other names: c.702+50A>T (NM_152132.3).
Identifiers: ClinVar variation 2628107 (VCV002628107.2), dbSNP rs8005100, ClinGen allele CA7203915.